The following is an entry in ClinVar:

NM_001318895.3(FHL2):c.254A>G (p.Asp85Gly)

Genes: C2orf49 (chromosome 2 open reading frame 49; plus strand), FHL2 (four and a half LIM domains 2; minus strand). Cytogenetic location: 2q12.2.
Variant type: single nucleotide variant.
Coding change: c.254A>G on transcript NM_001318895.3 (MANE Select); coding-DNA position 254, A replaced by G.
Protein change: p.Asp85Gly; replaces aspartic acid 85 with glycine.
Molecular consequence: missense variant. On other transcripts: 5 prime UTR variant (1), intron variant (2).
Genome position (GRCh38, 1-based): chr2:105,373,636, T>C on the plus strand (A>G on the coding strand, the complement: FHL2 is on the minus strand). VCF-style: chr2-105373636-T-C. GRCh37 (hg19) VCF-style: chr2-105990093-T-C.
Other names: c.254A>G, p.Asp85Gly (NM_001039492.3, NM_001318894.1, NM_001318896.2 and 4 more transcripts); c.-71A>G (NM_001318899.2); c.-11-5897A>G (NM_001318897.2, NM_001318898.2); short protein forms D85G.
Identifiers: ClinVar variation 2719450 (VCV002719450.3), dbSNP rs2467209444, ClinGen allele CA348001823.

ClinVar aggregate classification (germline): Uncertain significance (1 of 4 stars; one submission).

Conditions:
Primary dilated cardiomyopathy (DCM). Also called: Dilated Cardiomyopathy. Identifiers: Orphanet 217604, MedGen C0007193, MeSH D002311, MONDO:0005021, HP:0001644. Inheritance: Various modes of inheritance.

Allele frequency attached by ClinVar (database versions not stated): gnomAD exomes below 0.00001.
gnomAD v4.1: 5 of 1,614,220 alleles (0.00031%); highest among the groups gnomAD compares: Non-Finnish European, 0.00042%; no homozygotes.

Submission:

Labcorp Genetics (formerly Invitae), Labcorp
Classification: Uncertain significance for Primary dilated cardiomyopathy. Last evaluated: 2023-06-19. Review status: criteria provided, single submitter. Criteria: Invitae Variant Classification Sherloc (09022015). Collection method: clinical testing. Allele origin: germline.
Comment: In summary, the available evidence is currently insufficient to determine the role of this variant in disease. Therefore, it has been classified as a Variant of Uncertain Significance. Advanced modeling of protein sequence and biophysical properties (such as structural, functional, and spatial information, amino acid conservation, physicochemical variation, residue mobility, and thermodynamic stability) performed at Invitae indicates that this missense variant is not expected to disrupt FHL2 protein function. This variant has not been reported in the literature in individuals affected with FHL2-related conditions. This variant is not present in population databases (gnomAD no frequency). This sequence change replaces aspartic acid, which is acidic and polar, with glycine, which is neutral and non-polar, at codon 85 of the FHL2 protein (p.Asp85Gly).